The following is an entry in ClinVar:

ClinVar aggregate classification (germline): Likely benign (1 of 4 stars; one submission).

gnomAD v4.1: 143 of 1,475,320 alleles (0.0097%); highest among the groups gnomAD compares: South Asian, 0.014%; 11 homozygotes.

Submission:

CeGaT Center for Human Genetics Tuebingen
Classification: Likely benign. Last evaluated: 2025-10-01. Review status: criteria provided, single submitter. Criteria: CeGaT Center For Human Genetics Tuebingen Variant Classification Criteria Version 2. Collection method: clinical testing. Allele origin: germline. Affected: yes. Observed: 1 variant allele.
Comment: MUC4: BP4, BP7

NM_018406.7(MUC4):c.9852C>T (p.Thr3284=)

Gene: MUC4 (mucin 4, cell surface associated). Cytogenetic location: 3q29.
Variant type: single nucleotide variant.
Coding change: c.9852C>T on transcript NM_018406.7 (MANE Select); coding-DNA position 9852, C replaced by T.
Protein change: p.Thr3284=; no amino-acid change (threonine 3284 retained).
Molecular consequence: synonymous variant. On other transcripts: intron variant (2).
Genome position (GRCh38, 1-based): chr3:195,781,728, G>A on the plus strand (C>T on the coding strand, the complement: MUC4 is on the minus strand). VCF-style: chr3-195781728-G-A. GRCh37 (hg19) VCF-style: chr3-195508599-G-A.
Other names: c.83-7423C>T (NM_138297.5); c.83-3273C>T (NM_004532.6).
Identifiers: ClinVar variation 4534146 (VCV004534146.6).